The following is an entry in ClinVar:

NM_015915.5(ATL1):c.1120-1086T>C

Gene: ATL1 (atlastin GTPase 1; plus strand). Cytogenetic location: 14q22.1.
Variant type: single nucleotide variant.
Coding change: c.1120-1086T>C on transcript NM_015915.5 (MANE Select); 1086 bases into the intron before coding-DNA position 1120, T replaced by C.
Molecular consequence: intron variant.
Genome position (GRCh38, 1-based): chr14:50,626,945, T>C. VCF-style: chr14-50626945-T-C. GRCh37 (hg19) VCF-style: chr14-51093663-T-C.
Other names: c.1120-1086T>C (NM_001127713.1, NM_181598.4).
Identifiers: ClinVar variation 2576164 (VCV002576164.1), dbSNP rs2504574162, ClinGen allele CA2580616606.

ClinVar aggregate classification (germline): Uncertain significance (1 of 4 stars; one submission).

Submission:

Institute for Clinical Genetics, University Hospital TU Dresden, University Hospital TU Dresden
Classification: Uncertain significance. Last evaluated: 2023-07-05. Review status: criteria provided, single submitter. Criteria: ACMG Guidelines, 2015. Collection method: clinical testing. Allele origin: maternal.
Comment: PM2_SUP